The following is an entry in ClinVar:

NM_012193.4(FZD4):c.1405G>A (p.Ala469Thr)

Genes: FZD4 (frizzled class receptor 4; minus strand), PRSS23 (serine protease 23; plus strand). Cytogenetic location: 11q14.2.
Variant type: single nucleotide variant.
Coding change: c.1405G>A on transcript NM_012193.4 (MANE Select); coding-DNA position 1405, G replaced by A.
Protein change: p.Ala469Thr; replaces alanine 469 with threonine.
Molecular consequence: missense variant. On other transcripts: non-coding transcript variant (2).
Genome position (GRCh38, 1-based): chr11:86,951,351, C>T on the plus strand (G>A on the coding strand, the complement: FZD4 is on the minus strand). VCF-style: chr11-86951351-C-T. GRCh37 (hg19) VCF-style: chr11-86662393-C-T.
Other names: short protein forms A469T.
Identifiers: ClinVar variation 306406 (VCV000306406.16), dbSNP rs185157734, ClinGen allele CA6218329.

ClinVar aggregate classification (germline): Benign/Likely benign. Review status: criteria provided, multiple submitters, no conflicts (2 of 4 stars). 3 submissions from 3 submitters: Benign (2); Likely benign (1). Last evaluated 2026-01-19.

Conditions:
Exudative vitreoretinopathy 1 (EVR1). Also called: CRISWICK-SCHEPENS SYNDROME; FEVR, AUTOSOMAL DOMINANT; Familial exudative vitreoretinopathy, autosomal dominant. Identifiers: Orphanet 891, Orphanet 90050, MedGen C1851402, MONDO:0007589, OMIM 133780.

Allele frequency attached by ClinVar (database versions not stated): gnomAD 0.00015 and 0.00016; 1000 Genomes Project 30x 0.00016; 1000 Genomes Project 0.00020; TOPMed 0.00051; ExAC 0.00094; gnomAD exomes 0.00110.
gnomAD v4.1: 318 of 1,613,716 alleles (0.02%); highest among the groups gnomAD compares: Admixed American, 0.52%; 3 homozygotes.

Submissions (3):

Labcorp Genetics (formerly Invitae), Labcorp
Classification: Benign. Last evaluated: 2026-01-19. Review status: criteria provided, single submitter. Criteria: Invitae Variant Classification Sherloc (09022015). Collection method: clinical testing. Allele origin: germline.

Blueprint Genetics
Classification: Likely benign. Last evaluated: 2024-11-18. Review status: criteria provided, single submitter. Criteria: ACMG Guidelines, 2015. Collection method: clinical testing. Allele origin: germline.

Illumina Laboratory Services, Illumina
Classification: Benign for Exudative vitreoretinopathy 1. Last evaluated: 2018-01-13. Review status: criteria provided, single submitter. Criteria: ICSL Variant Classification Criteria 13 December 2019. Collection method: clinical testing. Allele origin: germline.
Comment: This variant was observed in the ICSL laboratory as part of a predisposition screen in an ostensibly healthy population. It had not been previously curated by ICSL or reported in the Human Gene Mutation Database (HGMD: prior to June 1st, 2018), and was therefore a candidate for classification through an automated scoring system. Utilizing variant allele frequency, disease prevalence and penetrance estimates, and inheritance mode, an automated score was calculated to assess if this variant is too frequent to cause the disease. Based on the score and internal cut-off values, a variant classified as benign is not then subjected to further curation. The score for this variant resulted in a classification of benign for this disease.